The following is an entry in ClinVar:

ClinVar aggregate classification (germline): Uncertain significance (1 of 4 stars; one submission).

Conditions:
Glycogen storage disease, type II (IOPD). Also called: Pompe Disease; CARDIOMEGALIA GLYCOGENICA DIFFUSA; GLYCOGENOSIS, GENERALIZED, CARDIAC FORM; GSD II; POMPE DISEASE, INFANTILE-ONSET; GLYCOGEN STORAGE DISEASE II, INFANTILE-ONSET. Identifiers: Orphanet 365, MedGen C0017921, MONDO:0009290, OMIM 232300.

Submission:

Genomenon, Inc
Classification: Uncertain significance for Glycogen storage disease, type II. Last evaluated: 2026-07-01. Review status: criteria provided, single submitter. Criteria: Genomenon Sequence Variant Interpretation Standards - Updated. Collection method: curation. Allele origin: germline. Affected: yes.
Comment: GAA p.Asn925His (c.2773A>C) is a missense variant that changes the amino acid at codon 925 from Asparagine to Histidine. This variant has been observed in at least one proband with a GAA-related disorder (PMID:32049654). It is absent or not present at a significant frequency in gnomAD. In silico models predict that this variant is not damaging. In conclusion, we classify GAA p.Asn925His (c.2773A>C) as a variant of uncertain significance.

Literature cited by the submitters: PubMed 32049654.

NM_000152.5(GAA):c.2773A>C (p.Asn925His)

Gene: GAA (alpha glucosidase; plus strand). Cytogenetic location: 17q25.3.
Variant type: single nucleotide variant.
Coding change: c.2773A>C on transcript NM_000152.5 (MANE Select); coding-DNA position 2773, A replaced by C.
Protein change: p.Asn925His; replaces asparagine 925 with histidine.
Molecular consequence: missense variant.
Genome position (GRCh38, 1-based): chr17:80,118,779, A>C. VCF-style: chr17-80118779-A-C. GRCh37 (hg19) VCF-style: chr17-78092578-A-C.
Other names: c.2773A>C, p.Asn925His (NM_001079803.3, NM_001079804.3, NM_001406741.1 and 1 more transcripts); short protein forms N925H.
Identifiers: ClinVar variation 4876626 (VCV004876626.1).